The following is an entry in ClinVar:

ClinVar aggregate classification (germline): Uncertain significance. Review status: criteria provided, multiple submitters, no conflicts (2 of 4 stars). 2 submissions from 2 submitters: Uncertain significance (2). Last evaluated 2025-08-26.

Allele frequency attached by ClinVar (database versions not stated): gnomAD exomes 0.00003; ExAC 0.00005; gnomAD 0.00007; TOPMed 0.00007; ESP Exome Variant Server 0.00008; 1000 Genomes Project 30x 0.00016.
gnomAD v4.1: 51 of 1,568,944 alleles (0.0033%); highest among the groups gnomAD compares: South Asian, 0.018%; no homozygotes.

Submissions (2):

Ambry Genetics
Classification: Uncertain significance. Last evaluated: 2025-08-26. Review status: criteria provided, single submitter. Criteria: Ambry Variant Classification Scheme 2023. Collection method: clinical testing. Allele origin: germline.

Labcorp Genetics (formerly Invitae), Labcorp
Classification: Uncertain significance. Last evaluated: 2025-08-22. Review status: criteria provided, single submitter. Criteria: Invitae Variant Classification Sherloc (09022015). Collection method: clinical testing. Allele origin: germline.
Comment: This sequence change replaces alanine, which is neutral and non-polar, with valine, which is neutral and non-polar, at codon 136 of the CASZ1 protein (p.Ala136Val). The frequency data for this variant in the population databases is considered unreliable, as metrics indicate poor data quality at this position in the gnomAD database. This variant has not been reported in the literature in individuals affected with CASZ1-related conditions. ClinVar contains an entry for this variant (Variation ID: 2192850). An algorithm developed to predict the effect of missense changes on protein structure and function (PolyPhen-2) suggests that this variant is likely to be tolerated. In summary, the available evidence is currently insufficient to determine the role of this variant in disease. Therefore, it has been classified as a Variant of Uncertain Significance.

NM_001079843.3(CASZ1):c.407C>T (p.Ala136Val)

Gene: CASZ1 (castor zinc finger 1; minus strand). Cytogenetic location: 1p36.22.
Variant type: single nucleotide variant.
Coding change: c.407C>T on transcript NM_001079843.3 (MANE Select); coding-DNA position 407, C replaced by T.
Protein change: p.Ala136Val; replaces alanine 136 with valine.
Molecular consequence: missense variant.
Genome position (GRCh38, 1-based): chr1:10,665,181, G>A on the plus strand (C>T on the coding strand, the complement: CASZ1 is on the minus strand). VCF-style: chr1-10665181-G-A. GRCh37 (hg19) VCF-style: chr1-10725238-G-A.
Other names: c.407C>T, p.Ala136Val (NM_017766.5); c.407C>T (NM_001079843.1); short protein forms A136V.
Identifiers: ClinVar variation 2192850 (VCV002192850.4), dbSNP rs376986221, ClinGen allele CA585455.